The following is an entry in ClinVar:

NM_207352.4(CYP4V2):c.928G>T (p.Glu310Ter)

Gene: CYP4V2 (cytochrome P450 family 4 subfamily V member 2; plus strand). Cytogenetic location: 4q35.2.
Variant type: single nucleotide variant.
Coding change: c.928G>T on transcript NM_207352.4 (MANE Select); coding-DNA position 928, G replaced by T.
Protein change: p.Glu310Ter; replaces glutamic acid 310 with a stop codon.
Molecular consequence: nonsense.
Genome position (GRCh38, 1-based): chr4:186,201,283, G>T. VCF-style: chr4-186201283-G-T. GRCh37 (hg19) VCF-style: chr4-187122437-G-T.
Other names: short protein forms E310*.
Identifiers: ClinVar variation 941286 (VCV000941286.8), dbSNP rs894863416, ClinGen allele CA112127796.

ClinVar aggregate classification (germline): Pathogenic/Likely pathogenic. Review status: criteria provided, multiple submitters, no conflicts (2 of 4 stars). 2 submissions from 2 submitters: Pathogenic (1); Likely pathogenic (1). Last evaluated 2025-09-02.

Conditions:
CYP4V2-related disorder. Also called: CYP4V2-related condition; CYP4V2-related disorders.

Allele frequency attached by ClinVar (database versions not stated): gnomAD exomes below 0.00001; TOPMed below 0.00001.
gnomAD v4.1: 3 of 1,614,064 alleles (0.00019%); highest among the groups gnomAD compares: Non-Finnish European, 0.00025%; no homozygotes.

Submissions (2):

Labcorp Genetics (formerly Invitae), Labcorp
Classification: Pathogenic. Last evaluated: 2025-09-02. Review status: criteria provided, single submitter. Criteria: Invitae Variant Classification Sherloc (09022015). Collection method: clinical testing. Allele origin: germline.
Comment: This sequence change creates a premature translational stop signal (p.Glu310*) in the CYP4V2 gene. It is expected to result in an absent or disrupted protein product. Loss-of-function variants in CYP4V2 are known to be pathogenic (PMID: 15042513, 25118264). This variant is present in population databases (no rsID available, gnomAD 0.0009%). This variant has not been reported in the literature in individuals affected with CYP4V2-related conditions. ClinVar contains an entry for this variant (Variation ID: 941286). For these reasons, this variant has been classified as Pathogenic.

Blueprint Genetics
Classification: Likely pathogenic for CYP4V2-related disorders. Last evaluated: 2017-09-01. Review status: criteria provided, single submitter. Criteria: ACMG Guidelines, 2015. Collection method: clinical testing. Allele origin: germline. Affected: yes. Observed: 1 variant allele.

Literature cited by the submitters: PubMed 15042513 (cited by Labcorp Genetics (formerly Invitae), Labcorp); PubMed 25118264 (cited by Labcorp Genetics (formerly Invitae), Labcorp).